The following is an entry in ClinVar:

NM_000138.5(FBN1):c.4291T>C (p.Cys1431Arg)

Genes: FBN1 (fibrillin 1; minus strand), LOC126862124 (CDK7 strongly-dependent group 2 enhancer GRCh37_chr15:48764566-48765765; plus strand). Cytogenetic location: 15q21.1.
Variant type: single nucleotide variant.
Coding change: c.4291T>C on transcript NM_000138.5 (MANE Select); coding-DNA position 4291, T replaced by C.
Protein change: p.Cys1431Arg; replaces cysteine 1431 with arginine.
Molecular consequence: missense variant.
Genome position (GRCh38, 1-based): chr15:48,472,596, A>G on the plus strand (T>C on the coding strand, the complement: FBN1 is on the minus strand). VCF-style: chr15-48472596-A-G. GRCh37 (hg19) VCF-style: chr15-48764793-A-G.
Other names: c.4291T>C, p.Cys1431Arg (NM_001406716.1); short protein forms C1431R.
Identifiers: ClinVar variation 3075766 (VCV003075766.1), dbSNP rs2505513326, ClinGen allele CA392317702.

ClinVar aggregate classification (germline): Likely pathogenic (1 of 4 stars; one submission).

Conditions:
Marfan syndrome (MFS). Also called: MARFAN SYNDROME, TYPE I; Marfan syndrome type 1; Marfan's syndrome; Marfan syndrome, classic; FBN1-Related Marfan Syndrome. Identifiers: Orphanet 284963, Orphanet 558, MedGen C0024796, MONDO:0007947, OMIM 154700.

Submission:

Laboratory for Molecular Medicine, Mass General Brigham Personalized Medicine
Classification: Likely pathogenic for Marfan syndrome. Last evaluated: 2019-04-16. Review status: criteria provided, single submitter. Criteria: ACMG Guidelines, 2015. Collection method: clinical testing. Allele origin: germline. Inheritance: Autosomal dominant inheritance.
Comment: The p.Cys1431Arg variant in FBN1 has been identified in at least 1 individual with Marfan syndrome (Aalberts 2014) and was absent from large population studies. This variant affects a cysteine residue; cysteine substitutions are a common finding in individuals with Marfan syndrome (Schrijver, 1999). Two other variants involving this residue, p.Cys1431Trp and p.Cys1431Tyr, have been associated with Marfan syndrome (Baetens 2011), suggesting that changes at this position are not tolerated. Computational prediction tools and conservation analysis suggest that the p.Cys1431Arg variant may impact the protein, though this information is not predictive enough to determine pathogenicity. In summary, although additional studies are required to fully establish its clinical significance, this variant meets criteria to be classified as likely pathogenic for autosomal dominant Marfan syndrome. ACMG/AMP Criteria applied: PM1; PM2; PP3; PS4_Supporting.

Literature cited by the submitters: PubMed 24161884.